The following is an entry in ClinVar:

NM_001429.4(EP300):c.6185G>A (p.Ser2062Asn)

Gene: EP300 (E1A binding protein p300; plus strand). Cytogenetic location: 22q13.2.
Variant type: single nucleotide variant.
Coding change: c.6185G>A on transcript NM_001429.4 (MANE Select); coding-DNA position 6185, G replaced by A.
Protein change: p.Ser2062Asn; replaces serine 2062 with asparagine.
Molecular consequence: missense variant.
Genome position (GRCh38, 1-based): chr22:41,177,896, G>A. VCF-style: chr22-41177896-G-A. GRCh37 (hg19) VCF-style: chr22-41573900-G-A.
Other names: c.6107G>A, p.Ser2036Asn (NM_001362843.2); short protein forms S2036N, S2062N.
Identifiers: ClinVar variation 2428856 (VCV002428856.3), dbSNP rs375710969, ClinGen allele CA411680941.

ClinVar aggregate classification (germline): Uncertain significance (1 of 4 stars; one submission).

gnomAD v4.1: 7 of 1,614,202 alleles (0.00043%); highest among the groups gnomAD compares: Non-Finnish European, 0.00059%; no homozygotes.

Submission:

GeneDx
Classification: Uncertain significance. Last evaluated: 2022-08-05. Review status: criteria provided, single submitter. Criteria: GeneDx Variant Classification Process June 2021. Collection method: clinical testing. Allele origin: germline. Affected: yes.
Comment: In silico analysis supports that this missense variant does not alter protein structure/function; Has not been previously published as pathogenic or benign to our knowledge